The following is an entry in ClinVar:

ClinVar aggregate classification (germline): Uncertain significance. Review status: criteria provided, multiple submitters, no conflicts (2 of 4 stars). 4 submissions from 4 submitters: Uncertain significance (4). Last evaluated 2024-05-07.

Conditions:
Neuroblastoma, susceptibility to, 3. Also called: ALK-Related Neuroblastic Tumor Susceptibility. Identifiers: Orphanet 635, MedGen C2751681, MONDO:0013083, OMIM 613014.
Hereditary cancer-predisposing syndrome. Also called: Tumor predisposition; Hereditary Cancer Syndrome; Neoplastic Syndromes, Hereditary; Hereditary neoplastic syndrome. Identifiers: Orphanet 140162, MedGen C0027672, MeSH D009386, MONDO:0015356.

gnomAD v4.1: 4 of 1,614,170 alleles (0.00025%); highest among the groups gnomAD compares: Middle Eastern, 0.017%; no homozygotes.

Submissions (4):

Labcorp Genetics (formerly Invitae), Labcorp
Classification: Uncertain significance for Neuroblastoma, susceptibility to, 3. Last evaluated: 2024-05-07. Review status: criteria provided, single submitter. Criteria: Invitae Variant Classification Sherloc (09022015). Collection method: clinical testing. Allele origin: germline.
Comment: This sequence change replaces valine, which is neutral and non-polar, with methionine, which is neutral and non-polar, at codon 417 of the ALK protein (p.Val417Met). This variant is not present in population databases (gnomAD no frequency). This variant has not been reported in the literature in individuals affected with ALK-related conditions. ClinVar contains an entry for this variant (Variation ID: 335708). An algorithm developed to predict the effect of missense changes on protein structure and function (PolyPhen-2) suggests that this variant is likely to be tolerated. In summary, the available evidence is currently insufficient to determine the role of this variant in disease. Therefore, it has been classified as a Variant of Uncertain Significance.

Ambry Genetics
Classification: Uncertain significance for Hereditary cancer-predisposing syndrome. Last evaluated: 2024-03-18. Review status: criteria provided, single submitter. Criteria: Ambry Variant Classification Scheme 2023. Collection method: clinical testing. Allele origin: germline.
Comment: The p.V417M variant (also known as c.1249G>A), located in coding exon 5 of the ALK gene, results from a G to A substitution at nucleotide position 1249. The valine at codon 417 is replaced by methionine, an amino acid with highly similar properties. This amino acid position is conserved. In addition, this alteration is predicted to be tolerated by in silico analysis. Based on the available evidence, the clinical significance of this alteration remains unclear.

Baylor Genetics
Classification: Uncertain significance for Neuroblastoma, susceptibility to, 3. Last evaluated: 2023-09-06. Review status: criteria provided, single submitter. Criteria: ACMG Guidelines, 2015. Collection method: clinical testing. Allele origin: unknown.

Illumina Laboratory Services, Illumina
Classification: Uncertain significance for Neuroblastoma, susceptibility to, 3. Last evaluated: 2018-01-12. Review status: criteria provided, single submitter. Criteria: ICSL Variant Classification Criteria 13 December 2019. Collection method: clinical testing. Allele origin: germline.

NM_004304.5(ALK):c.1249G>A (p.Val417Met)

Gene: ALK (ALK receptor tyrosine kinase; minus strand). Cytogenetic location: 2p23.2.
Variant type: single nucleotide variant.
Coding change: c.1249G>A on transcript NM_004304.5 (MANE Select); coding-DNA position 1249, G replaced by A.
Protein change: p.Val417Met; replaces valine 417 with methionine.
Molecular consequence: missense variant.
Genome position (GRCh38, 1-based): chr2:29,383,765, C>T on the plus strand (G>A on the coding strand, the complement: ALK is on the minus strand). VCF-style: chr2-29383765-C-T. GRCh37 (hg19) VCF-style: chr2-29606631-C-T.
Other names: short protein forms V417M.
Identifiers: ClinVar variation 335708 (VCV000335708.12), dbSNP rs886055931, ClinGen allele CA10615010.